The following is an entry in ClinVar:

ClinVar aggregate classification (germline): Benign/Likely benign. Review status: criteria provided, multiple submitters, no conflicts (2 of 4 stars). 8 submissions from 8 submitters: Benign (6); Likely benign (2). Last evaluated 2026-05-09.

Conditions:
Thyroid dyshormonogenesis 6 (TDH6). Also called: THYROID HORMONOGENESIS, GENETIC DEFECT IN, 6; Genetic transient congenital hypothyroidism; HYPOTHYROIDISM, CONGENITAL, DUE TO DYSHORMONOGENESIS, 6. Identifiers: Orphanet 226316, Orphanet 95716, MedGen C1846632, MONDO:0011792, OMIM 607200.

Allele frequency attached by ClinVar (database versions not stated): gnomAD exomes 0.08272 and 0.09765; ExAC 0.10207; gnomAD 0.16486 and 0.17189; 1000 Genomes Project 0.16494; 1000 Genomes Project 30x 0.17442; TOPMed 0.17606; ESP Exome Variant Server 0.18103.

Submissions (8):

Women's Health and Genetics/Laboratory Corporation of America, LabCorp
Classification: Likely benign. Last evaluated: 2026-05-09. Review status: criteria provided, single submitter. Criteria: LabCorp Variant Classification Summary - May 2015. Collection method: clinical testing. Allele origin: germline.

Labcorp Genetics (formerly Invitae), Labcorp
Classification: Benign. Last evaluated: 2026-02-04. Review status: criteria provided, single submitter. Criteria: Invitae Variant Classification Sherloc (09022015). Collection method: clinical testing. Allele origin: germline.

Blueprint Genetics
Classification: Likely benign. Last evaluated: 2024-11-27. Review status: criteria provided, single submitter. Criteria: ACMG Guidelines, 2015. Collection method: clinical testing. Allele origin: germline.

Mayo Clinic Laboratories, Mayo Clinic
Classification: Benign. Last evaluated: 2024-02-08. Review status: criteria provided, single submitter. Criteria: ACMG Guidelines, 2015. Collection method: clinical testing. Allele origin: germline. Observed: 11 variant alleles.
Comment: BA1, BS2, BP4

GeneDx
Classification: Benign. Last evaluated: 2018-07-09. Review status: criteria provided, single submitter. Criteria: GeneDx Variant Classification Process June 2021. Collection method: clinical testing. Allele origin: germline. Affected: yes.
Comment: This variant is associated with the following publications: (PMID: 25248169, 24423310, 21900383, 20981092, 25616291, 18765513, 27884173, 23239635, 25263060, 26565538, 21565790, 28666341)

Illumina Laboratory Services, Illumina
Classification: Benign for Thyroid dyshormonogenesis 6. Last evaluated: 2018-03-06. Review status: criteria provided, single submitter. Criteria: ICSL Variant Classification Criteria 13 December 2019. Collection method: clinical testing. Allele origin: germline.
Comment: This variant was observed in the ICSL laboratory as part of a predisposition screen in an ostensibly healthy population. It had not been previously curated by ICSL or reported in the Human Gene Mutation Database (HGMD: prior to June 1st, 2018), and was therefore a candidate for classification through an automated scoring system. Utilizing variant allele frequency, disease prevalence and penetrance estimates, and inheritance mode, an automated score was calculated to assess if this variant is too frequent to cause the disease. Based on the score and internal cut-off values, a variant classified as benign is not then subjected to further curation. The score for this variant resulted in a classification of benign for this disease.

Breakthrough Genomics
Classification: Benign. Review status: criteria provided, single submitter. Criteria: ACMG Guidelines, 2015. Collection method: not provided. Allele origin: germline. Inheritance: Autosomal recessive inheritance. Affected: yes.

PreventionGenetics, part of Exact Sciences
Classification: Benign. Review status: criteria provided, single submitter. Criteria: ACMG Guidelines, 2015. Collection method: clinical testing. Allele origin: germline.

Literature cited by the submitters: PubMed 28666341 (cited by Mayo Clinic Laboratories, Mayo Clinic).

NM_001363711.2(DUOX2):c.2033A>G (p.His678Arg)

Gene: DUOX2 (dual oxidase 2; minus strand). Cytogenetic location: 15q21.1.
Variant type: single nucleotide variant.
Coding change: c.2033A>G on transcript NM_001363711.2 (MANE Select); coding-DNA position 2033, A replaced by G.
Protein change: p.His678Arg; replaces histidine 678 with arginine.
Molecular consequence: missense variant.
Genome position (GRCh38, 1-based): chr15:45,106,240, T>C on the plus strand (A>G on the coding strand, the complement: DUOX2 is on the minus strand). VCF-style: chr15-45106240-T-C. GRCh37 (hg19) VCF-style: chr15-45398438-T-C.
Other names: c.2033A>G, p.His678Arg (NM_014080.5); short protein forms H678R.
Identifiers: ClinVar variation 260317 (VCV000260317.19), dbSNP rs57659670, ClinGen allele CA7538401.